The following is an entry in ClinVar:

NC_000005.10:g.(?_112707312)_(112828982_?)dup

Gene: APC (APC regulator of Wnt signaling pathway; plus strand). Cytogenetic location: 5q22.2.
Variant type: Duplication.
Identifiers: ClinVar variation 830687 (VCV000830687.6).

ClinVar aggregate classification (germline): Uncertain significance. Review status: criteria provided, single submitter (1 of 4 stars). 2 submissions from 1 submitter: Uncertain significance (1). 1 of the submissions does not count toward it. Last evaluated 2023-03-20.

Conditions:
Familial adenomatous polyposis 1 (FAP1). Also called: POLYPOSIS, ADENOMATOUS INTESTINAL; FAMILIAL ADENOMATOUS POLYPOSIS 1, ATTENUATED. Identifiers: MedGen C2713442, MONDO:0021056, OMIM 175100. Disease mechanism: loss of function.

Submissions (2):

Labcorp Genetics (formerly Invitae), Labcorp
Classification: Uncertain significance for Familial adenomatous polyposis 1. Last evaluated: 2023-03-20. Review status: criteria provided, single submitter. Criteria: Invitae Variant Classification Sherloc (09022015). Collection method: clinical testing. Allele origin: germline.
Comment: In summary, the available evidence is currently insufficient to determine the role of this variant in disease. Therefore, it has been classified as a Variant of Uncertain Significance. This variant has not been reported in the literature in individuals affected with APC-related conditions. This variant results in a copy number gain of the genomic region encompassing exon(s) 1-14 of the APC gene. This region includes the initiator codon of the gene. This copy number gain extends beyond the assayed region for this gene and therefore may encompass additional genes. As the precise location of this event is unknown, it may be in tandem or it may be located elsewhere in the genome.

Labcorp Genetics (formerly Invitae), Labcorp
Classification: Uncertain significance for Familial adenomatous polyposis 1. Last evaluated: 2019-09-23. Review status: flagged submission. Criteria: Invitae Variant Classification Sherloc (09022015). Collection method: clinical testing. Allele origin: germline. Not counted in ClinVar's aggregate classification.
Comment: This variant results in a copy number gain of the genomic region encompassing promoter 1B through exon 14 of the APC gene, which includes the initiator codon. The 5' end of this event is unknown as it extends beyond the assayed region for this gene and therefore may encompass additional genes. The 3' boundary is likely confined to intron 14 of the APC gene. As the precise location of this event is unknown, it may be in tandem or it may be located elsewhere in the genome. This variant has not been reported in the literature in individuals with APC-related conditions. In summary, the available evidence is currently insufficient to determine the role of this variant in disease. Therefore, it has been classified as a Variant of Uncertain Significance.
ClinVar note: Reason: This record appears to be redundant with a more recent record from the same submitter.
ClinVar note: Notes: SCV001194609 appears to be redundant with SCV002276557.